The following is an entry in ClinVar:

ClinVar aggregate classification (germline): Conflicting classifications of pathogenicity. Review status: criteria provided, conflicting classifications (1 of 4 stars). 2 submissions from 2 submitters: Uncertain significance (1); Likely benign (1). Last evaluated 2025-10-07.

Conditions:
Charcot-Marie-Tooth disease type 2. Also called: Charcot-Marie-Tooth type 2. Identifiers: Orphanet 64746, MedGen C0270914, MONDO:0018993.

Allele frequency attached by ClinVar (database versions not stated): gnomAD 0.00001; ExAC 0.00002; gnomAD exomes 0.00003 and 0.00002; TOPMed 0.00002.
gnomAD v4.1: 52 of 1,614,044 alleles (0.0032%); highest among the groups gnomAD compares: Non-Finnish European, 0.0042%; no homozygotes.

Submissions (2):

Labcorp Genetics (formerly Invitae), Labcorp
Classification: Uncertain significance for Charcot-Marie-Tooth disease type 2. Last evaluated: 2025-10-07. Review status: criteria provided, single submitter. Criteria: Invitae Variant Classification Sherloc (09022015). Collection method: clinical testing. Allele origin: germline.
Comment: This sequence change replaces serine, which is neutral and polar, with asparagine, which is neutral and polar, at codon 403 of the KIF1B protein (p.Ser403Asn). This variant is present in population databases (rs776678008, gnomAD 0.003%). This variant has not been reported in the literature in individuals affected with KIF1B-related conditions. ClinVar contains an entry for this variant (Variation ID: 1042686). Invitae Evidence Modeling of protein sequence and biophysical properties (such as structural, functional, and spatial information, amino acid conservation, physicochemical variation, residue mobility, and thermodynamic stability) indicates that this missense variant is not expected to disrupt KIF1B protein function with a negative predictive value of 80%. Algorithms developed to predict the effect of sequence changes on RNA splicing suggest that this variant may create or strengthen a splice site. In summary, the available evidence is currently insufficient to determine the role of this variant in disease. Therefore, it has been classified as a Variant of Uncertain Significance.

Ambry Genetics
Classification: Likely benign. Last evaluated: 2021-09-03. Review status: criteria provided, single submitter. Criteria: Ambry Variant Classification Scheme 2023. Collection method: clinical testing. Allele origin: germline.

NM_001365951.3(KIF1B):c.1346G>A (p.Ser449Asn)

Gene: KIF1B (kinesin family member 1B; plus strand). Cytogenetic location: 1p36.22.
Variant type: single nucleotide variant.
Coding change: c.1346G>A on transcript NM_001365951.3 (MANE Select); coding-DNA position 1346, G replaced by A.
Protein change: p.Ser449Asn; replaces serine 449 with asparagine.
Molecular consequence: missense variant.
Genome position (GRCh38, 1-based): chr1:10,282,445, G>A. VCF-style: chr1-10282445-G-A. GRCh37 (hg19) VCF-style: chr1-10342503-G-A.
Other names: c.1346G>A, p.Ser449Asn (NM_001365952.1); c.1208G>A, p.Ser403Asn (NM_001365953.1, NM_015074.3, NM_183416.4); short protein forms S403N, S449N.
Identifiers: ClinVar variation 1042686 (VCV001042686.11), dbSNP rs776678008, ClinGen allele CA580942.